The following is an entry in ClinVar:

NM_020937.4(FANCM):c.2915C>T (p.Thr972Ile)

Gene: FANCM (FA complementation group M; plus strand). Cytogenetic location: 14q21.2.
Variant type: single nucleotide variant.
Coding change: c.2915C>T on transcript NM_020937.4 (MANE Select); coding-DNA position 2915, C replaced by T.
Protein change: p.Thr972Ile; replaces threonine 972 with isoleucine.
Molecular consequence: missense variant.
Genome position (GRCh38, 1-based): chr14:45,175,669, C>T. VCF-style: chr14-45175669-C-T. GRCh37 (hg19) VCF-style: chr14-45644872-C-T.
Other names: c.2837C>T, p.Thr946Ile (NM_001308133.2); short protein forms T946I, T972I.
Identifiers: ClinVar variation 4022879 (VCV004022879.1).

ClinVar aggregate classification (germline): Uncertain significance (1 of 4 stars; one submission).

Conditions:
Inborn genetic diseases. Identifiers: MedGen C0950123, MeSH D030342.

gnomAD v4.1: 4 of 1,613,346 alleles (0.00025%); highest among the groups gnomAD compares: South Asian, 0.0033%; no homozygotes.

Submission:

Ambry Genetics
Classification: Uncertain significance for Inborn genetic diseases. Last evaluated: 2025-06-12. Review status: criteria provided, single submitter. Criteria: Ambry Variant Classification Scheme 2023. Collection method: clinical testing. Allele origin: germline.
Comment: The p.T972I variant (also known as c.2915C>T), located in coding exon 14 of the FANCM gene, results from a C to T substitution at nucleotide position 2915. The threonine at codon 972 is replaced by isoleucine, an amino acid with similar properties. This amino acid position is conserved. In addition, this alteration is predicted to be tolerated by in silico analysis. Based on the available evidence, the clinical significance of this variant remains unclear.